The following is an entry in ClinVar:

NM_000256.3(MYBPC3):c.3362G>A (p.Arg1121His)

Gene: MYBPC3 (myosin binding protein C3; minus strand). Cytogenetic location: 11p11.2.
Variant type: single nucleotide variant.
Coding change: c.3362G>A on transcript NM_000256.3 (MANE Select); coding-DNA position 3362, G replaced by A.
Protein change: p.Arg1121His; replaces arginine 1121 with histidine.
Molecular consequence: missense variant.
Genome position (GRCh38, 1-based): chr11:47,332,942, C>T on the plus strand (G>A on the coding strand, the complement: MYBPC3 is on the minus strand). VCF-style: chr11-47332942-C-T. GRCh37 (hg19) VCF-style: chr11-47354493-C-T.
Other names: p.R1121H:CGC>CAC; short protein forms R1121H.
Identifiers: ClinVar variation 42709 (VCV000042709.24), dbSNP rs397516018, ClinGen allele CA014019.

ClinVar aggregate classification (germline): Conflicting classifications of pathogenicity. Review status: criteria provided, conflicting classifications (1 of 4 stars). 10 submissions from 9 submitters: Uncertain significance (3); Benign (2); Likely benign (4). 1 of the submissions does not count toward it. Last evaluated 2026-01-31.

Conditions:
Cardiovascular phenotype. Identifiers: MedGen CN230736.
Left ventricular noncompaction 10 (LVNC10). Identifiers: Orphanet 154, Orphanet 54260, MedGen C3715165, MONDO:0014163, OMIM 615396.
Cardiomyopathy (CMYO). Also called: Cardiomyopathies. Identifiers: Orphanet 167848, MedGen C0878544, MONDO:0004994, HP:0001638. Inheritance: Various modes of inheritance.
Hypertrophic cardiomyopathy 4. Also called: Familial hypertrophic cardiomyopathy 4. Identifiers: MedGen C1861862, MONDO:0007268, OMIM 115197.
Hypertrophic cardiomyopathy. Also called: HYPERTROPHIC MYOCARDIOPATHY. Identifiers: Orphanet 217569, MedGen C0007194, MeSH D002312, MONDO:0005045, HP:0001639.

Allele frequency attached by ClinVar (database versions not stated): gnomAD 0.00002 and 0.00001; 1000 Genomes Project 0.00020; ExAC 0.00013; 1000 Genomes Project 30x 0.00016; TOPMed 0.00004; gnomAD exomes 0.00008 and 0.00004.
gnomAD v4.1: 63 of 1,610,204 alleles (0.0039%); highest among the groups gnomAD compares: Middle Eastern, 0.05%; 1 homozygote.

Submissions (10):

Labcorp Genetics (formerly Invitae), Labcorp
Classification: Likely benign for Hypertrophic cardiomyopathy. Last evaluated: 2026-01-31. Review status: criteria provided, single submitter. Criteria: Invitae Variant Classification Sherloc (09022015). Collection method: clinical testing. Allele origin: germline.

All of Us Research Program, National Institutes of Health
Classification: Likely benign for Hypertrophic cardiomyopathy. Last evaluated: 2023-12-13. Review status: criteria provided, single submitter. Criteria: ACMG Guidelines, 2015. Collection method: clinical testing. Allele origin: germline. Inheritance: Autosomal dominant inheritance. Observed: 3 variant alleles, 3 heterozygotes.
Comment: This study involves interpretation of variants in research participants for the purpose of population health screening. Participant phenotype was not available at the time of variant classification. Additional details can be found in publication PMID: 35346344, PMCID: PMC8962531

Ambry Genetics
Classification: Benign for Cardiovascular phenotype. Last evaluated: 2023-11-21. Review status: criteria provided, single submitter. Criteria: Ambry Variant Classification Scheme 2023. Collection method: clinical testing. Allele origin: germline.

Color Diagnostics, LLC DBA Color Health
Classification: Likely benign for Cardiomyopathy. Last evaluated: 2020-12-23. Review status: criteria provided, single submitter. Criteria: ACMG Guidelines, 2015. Collection method: clinical testing. Allele origin: germline.

Revvity Omics, Revvity
Classification: Uncertain significance. Last evaluated: 2020-11-17. Review status: criteria provided, single submitter. Criteria: ACMG Guidelines, 2015. Collection method: clinical testing. Allele origin: germline.

Illumina Laboratory Services, Illumina
Classification: Uncertain significance for Hypertrophic cardiomyopathy 4. Last evaluated: 2018-01-13. Review status: criteria provided, single submitter. Criteria: ICSL Variant Classification Criteria 13 December 2019. Collection method: clinical testing. Allele origin: germline.

Illumina Laboratory Services, Illumina
Classification: Benign for Left ventricular noncompaction 10. Last evaluated: 2018-01-13. Review status: criteria provided, single submitter. Criteria: ICSL Variant Classification Criteria 13 December 2019. Collection method: clinical testing. Allele origin: germline.
Comment: This variant was observed in the ICSL laboratory as part of a predisposition screen in an ostensibly healthy population. It had not been previously curated by ICSL or reported in the Human Gene Mutation Database (HGMD: prior to June 1st, 2018), and was therefore a candidate for classification through an automated scoring system. Utilizing variant allele frequency, disease prevalence and penetrance estimates, and inheritance mode, an automated score was calculated to assess if this variant is too frequent to cause the disease. Based on the score and internal cut-off values, a variant classified as benign is not then subjected to further curation. The score for this variant resulted in a classification of benign for this disease.

GeneDx
Classification: Likely benign. Last evaluated: 2017-02-02. Review status: criteria provided, single submitter. Criteria: GeneDx Variant Classification (06012015). Collection method: clinical testing. Allele origin: germline. Affected: yes.
Comment: This variant is considered likely benign or benign based on one or more of the following criteria: it is a conservative change, it occurs at a poorly conserved position in the protein, it is predicted to be benign by multiple in silico algorithms, and/or has population frequency not consistent with disease.

Stanford Center for Inherited Cardiovascular Disease, Stanford University
Classification: Uncertain significance. Last evaluated: 2016-09-01. Review status: criteria provided, single submitter. Criteria: ACMG Guidelines, 2015. Collection method: provider interpretation. Allele origin: germline.

Laboratory for Molecular Medicine, Mass General Brigham Personalized Medicine
Classification: Uncertain significance. Last evaluated: 2008-03-01. Review status: no assertion criteria provided. Collection method: clinical testing. Allele origin: germline. Observed: 1 variant allele. Not counted in ClinVar's aggregate classification.